The following is an entry in ClinVar:

ClinVar aggregate classification (germline): Uncertain significance. Review status: criteria provided, multiple submitters, no conflicts (2 of 4 stars). 2 submissions from 2 submitters: Uncertain significance (2). Last evaluated 2026-01-18.

Conditions:
Inborn genetic diseases. Identifiers: MedGen C0950123, MeSH D030342.

gnomAD v4.1: 23 of 1,613,798 alleles (0.0014%); highest among the groups gnomAD compares: East Asian, 0.018%; no homozygotes.

Submissions (2):

Labcorp Genetics (formerly Invitae), Labcorp
Classification: Uncertain significance. Last evaluated: 2026-01-18. Review status: criteria provided, single submitter. Criteria: Invitae Variant Classification Sherloc (09022015). Collection method: clinical testing. Allele origin: germline.
Comment: This sequence change replaces arginine, which is basic and polar, with histidine, which is basic and polar, at codon 2333 of the ACAN protein (p.Arg2333His). This variant is present in population databases (rs773809580, gnomAD 0.009%). This variant has not been reported in the literature in individuals affected with ACAN-related conditions. ClinVar contains an entry for this variant (Variation ID: 3260994). An algorithm developed to predict the effect of missense changes on protein structure and function (PolyPhen-2) suggests that this variant is likely to be disruptive. In summary, the available evidence is currently insufficient to determine the role of this variant in disease. Therefore, it has been classified as a Variant of Uncertain Significance.

Ambry Genetics
Classification: Uncertain significance for Inborn genetic diseases. Last evaluated: 2024-05-15. Review status: criteria provided, single submitter. Criteria: Ambry Variant Classification Scheme 2023. Collection method: clinical testing. Allele origin: germline.

NM_001369268.1(ACAN):c.7112G>A (p.Arg2371His)

Gene: ACAN (aggrecan; plus strand). Cytogenetic location: 15q26.1.
Variant type: single nucleotide variant.
Coding change: c.7112G>A on transcript NM_001369268.1 (MANE Select); coding-DNA position 7112, G replaced by A.
Protein change: p.Arg2371His; replaces arginine 2371 with histidine.
Molecular consequence: missense variant.
Genome position (GRCh38, 1-based): chr15:88,871,433, G>A. VCF-style: chr15-88871433-G-A. GRCh37 (hg19) VCF-style: chr15-89414664-G-A.
Other names: c.6884G>A, p.Arg2295His (NM_001135.4, NM_001411096.1); c.6998G>A, p.Arg2333His (NM_001411097.1, NM_013227.4); short protein forms R2333H, R2371H, R2295H.
Identifiers: ClinVar variation 3260994 (VCV003260994.2).